The following is an entry in ClinVar:

ClinVar aggregate classification (germline): Pathogenic (0 of 4 stars; one submission).

Conditions:
Alkaptonuria (AKU). Also called: Alkaptonuric ochronosis; Homogentisic acidura; Alcaptonuria; HOMOGENTISIC ACID OXIDASE DEFICIENCY. Identifiers: Orphanet 56, MedGen C0002066, MONDO:0008753, OMIM 203500.

Submission:

Department Of Human Genetics, Institute Of Clinical And Translational Research, Biomedical Research Center, Slovak Academy Of Sciences
Classification: Pathogenic for Alkaptonuria. Review status: no assertion criteria provided. Collection method: research. Allele origin: germline. Inheritance: Autosomal recessive inheritance. Affected: yes. Observed: 1 variant allele.
Comment: The variant was originally described in AKU patient in PMID:36253209. It has been submitted to the HGD gene mutation database (DB-ID: AKU_00AKU_00260).

Literature cited by the submitters: PubMed 36253209.

NM_000187.4(HGD):c.335T>C (p.Phe112Ser)

Gene: HGD (homogentisate 1,2-dioxygenase; minus strand). Cytogenetic location: 3q13.33.
Variant type: single nucleotide variant.
Coding change: c.335T>C on transcript NM_000187.4 (MANE Select); coding-DNA position 335, T replaced by C.
Protein change: p.Phe112Ser; replaces phenylalanine 112 with serine.
Molecular consequence: missense variant.
Genome position (GRCh38, 1-based): chr3:120,652,599, A>G on the plus strand (T>C on the coding strand, the complement: HGD is on the minus strand). VCF-style: chr3-120652599-A-G. GRCh37 (hg19) VCF-style: chr3-120371446-A-G.
Other names: short protein forms F112S.
Identifiers: ClinVar variation 2626833 (VCV002626833.1), dbSNP rs2472724534, ClinGen allele CA354078509.